The following is an entry in ClinVar:

NM_000231.3(SGCG):c.494T>C (p.Leu165Pro)

Gene: SGCG (sarcoglycan gamma; plus strand). Cytogenetic location: 13q12.12.
Variant type: single nucleotide variant.
Coding change: c.494T>C on transcript NM_000231.3 (MANE Select); coding-DNA position 494, T replaced by C.
Protein change: p.Leu165Pro; replaces leucine 165 with proline.
Molecular consequence: missense variant.
Genome position (GRCh38, 1-based): chr13:23,279,467, T>C. VCF-style: chr13-23279467-T-C. GRCh37 (hg19) VCF-style: chr13-23853606-T-C.
Other names: c.548T>C, p.Leu183Pro (NM_001378244.1); c.494T>C, p.Leu165Pro (NM_001378245.1, NM_001378246.1); short protein forms L165P, L183P.
Identifiers: ClinVar variation 1379236 (VCV001379236.8), dbSNP rs2137617769, ClinGen allele CA387504227.

ClinVar aggregate classification (germline): Uncertain significance (1 of 4 stars; one submission).

Conditions:
Autosomal recessive limb-girdle muscular dystrophy type 2C (LGMDR5). Also called: MUSCULAR DYSTROPHY, DUCHENNE-LIKE; MUSCULAR DYSTROPHY, LIMB-GIRDLE, AUTOSOMAL RECESSIVE 5. Identifiers: Orphanet 353, MedGen C0410173, MONDO:0009677, OMIM 253700. Disease mechanism: Affects gamma-sarcoglycan and also disrupts the integrity of the entire sarcoglycan complex..

Submission:

Labcorp Genetics (formerly Invitae), Labcorp
Classification: Uncertain significance for Autosomal recessive limb-girdle muscular dystrophy type 2C. Last evaluated: 2021-08-03. Review status: criteria provided, single submitter. Criteria: Invitae Variant Classification Sherloc (09022015). Collection method: clinical testing. Allele origin: germline.
Comment: In summary, the available evidence is currently insufficient to determine the role of this variant in disease. Therefore, it has been classified as a Variant of Uncertain Significance. Algorithms developed to predict the effect of missense changes on protein structure and function (SIFT, PolyPhen-2, Align-GVGD) all suggest that this variant is likely to be disruptive. This variant has not been reported in the literature in individuals affected with SGCG-related conditions. This variant is not present in population databases (ExAC no frequency). This sequence change replaces leucine with proline at codon 165 of the SGCG protein (p.Leu165Pro). The leucine residue is highly conserved and there is a moderate physicochemical difference between leucine and proline.